The following is an entry in ClinVar:

NM_000485.3(APRT):c.3G>C (p.Met1Ile)

Genes: APRT (adenine phosphoribosyltransferase; minus strand), LOC130059760 (ATAC-STARR-seq lymphoblastoid silent region 7879; plus strand). Cytogenetic location: 16q24.3.
Variant type: single nucleotide variant.
Coding change: c.3G>C on transcript NM_000485.3 (MANE Select); coding-DNA position 3, G replaced by C.
Protein change: p.Met1Ile; changes the start codon (methionine 1).
Molecular consequence: missense variant, initiator codon variant.
Genome position (GRCh38, 1-based): chr16:88,811,897, C>G on the plus strand (G>C on the coding strand, the complement: APRT is on the minus strand). VCF-style: chr16-88811897-C-G. GRCh37 (hg19) VCF-style: chr16-88878305-C-G.
Other names: c.3G>C, p.Met1Ile (NM_001030018.2); short protein forms M1I.
Identifiers: ClinVar variation 4074265 (VCV004074265.2), dbSNP rs918734933.

ClinVar aggregate classification (germline): Pathogenic. Review status: criteria provided, multiple submitters, no conflicts (2 of 4 stars). 2 submissions from 2 submitters: Pathogenic (2). Last evaluated 2025-05-01.

Conditions:
APRT-related disorder. Also called: APRT-related condition.
Adenine phosphoribosyltransferase deficiency (APRTD). Also called: Urolithiasis, dha; 2,8-dihydroxyadenine urolithiasis; APRT DEFICIENCY; NEPHROLITHIASIS, DHA. Identifiers: Orphanet 976, MedGen C0268120, MONDO:0013869, OMIM 614723.

Submissions (2):

Rare Kidney Stone Consortium and the Mayo Clinic Hyperoxaluria Center, Mayo Clinic
Classification: Pathogenic for Adenine phosphoribosyltransferase deficiency. Last evaluated: 2025-05-01. Review status: criteria provided, single submitter. Criteria: ACMG Guidelines, 2015. Collection method: research. Allele origin: germline. Affected: yes.
Comment: ACMG: PVS1, PM2, PM3

homozygote

Blueprint Genetics
Classification: Pathogenic for APRT-related disorders. Last evaluated: 2024-10-24. Review status: criteria provided, single submitter. Criteria: ACMG Guidelines, 2015. Collection method: clinical testing. Allele origin: germline. Affected: yes. Observed: 1 variant allele.

Literature cited by the submitters: PubMed 33273797 (cited by Rare Kidney Stone Consortium and the Mayo Clinic Hyperoxaluria Center, Mayo Clinic); PubMed 34805638 (cited by Rare Kidney Stone Consortium and the Mayo Clinic Hyperoxaluria Center, Mayo Clinic).